The following is an entry in ClinVar:

NM_021098.3(CACNA1H):c.3836C>T (p.Pro1279Leu)

Gene: CACNA1H (calcium voltage-gated channel subunit alpha1 H; plus strand). Cytogenetic location: 16p13.3.
Variant type: single nucleotide variant.
Coding change: c.3836C>T on transcript NM_021098.3 (MANE Select); coding-DNA position 3836, C replaced by T.
Protein change: p.Pro1279Leu; replaces proline 1279 with leucine.
Molecular consequence: missense variant.
Genome position (GRCh38, 1-based): chr16:1,210,126, C>T. VCF-style: chr16-1210126-C-T. GRCh37 (hg19) VCF-style: chr16-1260126-C-T.
Other names: c.3836C>T, p.Pro1279Leu (NM_001005407.2); short protein forms P1279L.
Identifiers: ClinVar variation 1878851 (VCV001878851.2), dbSNP rs2548695953, ClinGen allele CA394175924.

ClinVar aggregate classification (germline): Uncertain significance (1 of 4 stars; one submission).

gnomAD v4.1: 1 of 1,557,122 alleles (0.000064%); highest among the groups gnomAD compares: African/African-American, 0.0014%; no homozygotes.

Submission:

GeneDx
Classification: Uncertain significance. Last evaluated: 2023-07-12. Review status: criteria provided, single submitter. Criteria: GeneDx Variant Classification Process June 2021. Collection method: clinical testing. Allele origin: germline. Affected: yes.
Comment: Not observed at significant frequency in large population cohorts (gnomAD); In silico analysis supports that this missense variant has a deleterious effect on protein structure/function; Has not been previously published as pathogenic or benign to our knowledge